The following is an entry in ClinVar:

ClinVar aggregate classification (germline): Conflicting classifications of pathogenicity. Review status: criteria provided, conflicting classifications (1 of 4 stars). 2 submissions from 2 submitters: Uncertain significance (1); Likely benign (1). Last evaluated 2024-12-30.

Conditions:
Renal cell carcinoma. Identifiers: Orphanet 217071, MedGen C0007134, MeSH D002292, MONDO:0005086, HP:0005584.
Hereditary cancer-predisposing syndrome. Also called: Hereditary Cancer Syndrome; Neoplastic Syndromes, Hereditary; Tumor predisposition; Hereditary neoplastic syndrome. Identifiers: Orphanet 140162, MedGen C0027672, MeSH D009386, MONDO:0015356.

gnomAD v4.1: 15 of 1,613,982 alleles (0.00093%); highest among the groups gnomAD compares: South Asian, 0.0022%; no homozygotes.

Submissions (2):

Ambry Genetics
Classification: Likely benign for Hereditary cancer-predisposing syndrome. Last evaluated: 2024-12-30. Review status: criteria provided, single submitter. Criteria: Ambry Variant Classification Scheme 2023. Collection method: clinical testing. Allele origin: germline.

Labcorp Genetics (formerly Invitae), Labcorp
Classification: Uncertain significance for Renal cell carcinoma. Last evaluated: 2023-12-25. Review status: criteria provided, single submitter. Criteria: Invitae Variant Classification Sherloc (09022015). Collection method: clinical testing. Allele origin: germline.
Comment: This sequence change replaces isoleucine, which is neutral and non-polar, with valine, which is neutral and non-polar, at codon 166 of the MET protein (p.Ile166Val). This variant is not present in population databases (gnomAD no frequency). This variant has not been reported in the literature in individuals affected with MET-related conditions. ClinVar contains an entry for this variant (Variation ID: 1744450). Advanced modeling of protein sequence and biophysical properties (such as structural, functional, and spatial information, amino acid conservation, physicochemical variation, residue mobility, and thermodynamic stability) performed at Invitae indicates that this missense variant is not expected to disrupt MET protein function with a negative predictive value of 80%. In summary, the available evidence is currently insufficient to determine the role of this variant in disease. Therefore, it has been classified as a Variant of Uncertain Significance.

NM_000245.4(MET):c.496A>G (p.Ile166Val)

Gene: MET (MET proto-oncogene, receptor tyrosine kinase; plus strand). Cytogenetic location: 7q31.2.
Variant type: single nucleotide variant.
Coding change: c.496A>G on transcript NM_000245.4 (MANE Select); coding-DNA position 496, A replaced by G.
Protein change: p.Ile166Val; replaces isoleucine 166 with valine.
Molecular consequence: missense variant. On other transcripts: intron variant (1).
Genome position (GRCh38, 1-based): chr7:116,699,580, A>G. VCF-style: chr7-116699580-A-G. GRCh37 (hg19) VCF-style: chr7-116339634-A-G.
Other names: c.496A>G, p.Ile166Val (NM_001127500.3, NM_001324401.3); c.-91+27003A>G (NM_001324402.2); short protein forms I166V.
Identifiers: ClinVar variation 1744450 (VCV001744450.6), dbSNP rs751239059, ClinGen allele CA164888442.
Genomic context (GRCh38, chr7:116,699,580, plus strand): 5'-TTTCCCCACAATCATACTGCTGACATACAGTCGGAGGTTCACTGCATATTCTCCCCACAG[A>G]TAGAAGAGCCCAGCCAGTGTCCTGACTGTGTGGTGAGCGCCCTGGGAGCCAAAGTCCTTT-3'
Protein context (NP_000236.2, residues 156-176): SEVHCIFSPQ[Ile166Val]EEPSQCPDCV